The following is an entry in ClinVar:

ClinVar aggregate classification (germline): Conflicting classifications of pathogenicity. Review status: criteria provided, conflicting classifications (1 of 4 stars). 4 submissions from 4 submitters: Uncertain significance (2); Likely benign (2). Last evaluated 2026-01-20.

Conditions:
Breast-ovarian cancer, familial, susceptibility to, 3. Also called: RAD51C-Related Breast/Ovarian Cancer. Identifiers: Orphanet 145, MedGen C3150659, MONDO:0013253, OMIM 613399.
Fanconi anemia complementation group O. Also called: RAD51C-Related Fanconi Anemia. Identifiers: Orphanet 84, MedGen C3150653, MONDO:0013248, OMIM 613390.
Hereditary cancer-predisposing syndrome. Also called: Hereditary Cancer Syndrome; Neoplastic Syndromes, Hereditary; Tumor predisposition; Hereditary neoplastic syndrome. Identifiers: Orphanet 140162, MedGen C0027672, MeSH D009386, MONDO:0015356.

Submissions (4):

Labcorp Genetics (formerly Invitae), Labcorp
Classification: Likely benign for Fanconi anemia complementation group O. Last evaluated: 2026-01-20. Review status: criteria provided, single submitter. Criteria: Invitae Variant Classification Sherloc (09022015). Collection method: clinical testing. Allele origin: germline.

Quest Diagnostics Nichols Institute San Juan Capistrano
Classification: Uncertain significance. Last evaluated: 2025-02-07. Review status: criteria provided, single submitter. Criteria: Quest Diagnostics criteria. Collection method: clinical testing. Allele origin: unknown.
Comment: The RAD51C c.672_705+65dup variant has not been reported in individuals with RAD51C-related conditions in the published literature. It also has not been reported in large, multi-ethnic general populations (Genome Aggregation Database). Analysis of this variant using software algorithms for the prediction of the effect of nucleotide changes on RAD51C mRNA splicing yielded inconclusive findings. Based on the available information, we are unable to determine the clinical significance of this variant.

Color Diagnostics, LLC DBA Color Health
Classification: Uncertain significance for Hereditary cancer-predisposing syndrome. Last evaluated: 2025-01-21. Review status: criteria provided, single submitter. Criteria: ACMG Guidelines, 2015. Collection method: clinical testing. Allele origin: germline.
Comment: This variant causes a duplication of the 3' end of exon 4 and the 5' end of intron 4 of the RAD51C gene. This variant creates a duplicate copy of the intron 4 splice donor site, however, the splicing impact if any has not been functionally tested. To our knowledge, functional studies have not been performed for this variant. This variant has not been reported in individuals affected with hereditary cancer in the literature. This variant has not been identified in the general population by the Genome Aggregation Database (gnomAD). The available evidence is insufficient to determine the role of this variant in disease conclusively. Therefore, this variant is classified as a Variant of Uncertain Significance.

Ambry Genetics
Classification: Likely benign for Hereditary cancer-predisposing syndrome. Last evaluated: 2021-05-05. Review status: criteria provided, single submitter. Criteria: Ambry Variant Classification Scheme 2023. Collection method: clinical testing. Allele origin: germline.

NM_058216.3(RAD51C):c.672_705+65dup

Genes: RAD51C (RAD51 paralog C; plus strand), LOC129390903 (MPRA-validated peak2919 silencer; plus strand). Cytogenetic location: 17q22.
Variant type: Duplication.
Coding change: c.672_705+65dup on transcript NM_058216.3 (MANE Select); coding-DNA position 672 through 65 bases into the intron after coding-DNA position 705, 99 bases duplicated.
Molecular consequence: splice donor variant.
Genome position (GRCh38, 1-based): chr17:58,703,296-58,703,394, 99 bases duplicated. GRCh37 (hg19): chr17:56,780,657-56,780,755.
Identifiers: ClinVar variation 232156 (VCV000232156.19), dbSNP rs1555597214, ClinGen allele CA10580746.